The following is an entry in ClinVar:

ClinVar aggregate classification (germline): Uncertain significance. Review status: criteria provided, multiple submitters, no conflicts (2 of 4 stars). 6 submissions from 5 submitters: Uncertain significance (6). Last evaluated 2026-06-01.

Conditions:
Autosomal recessive nonsyndromic hearing loss 31. Also called: WHIRLER, MOUSE, HOMOLOG OF. Identifiers: Orphanet 90636, MedGen C1846839, MONDO:0011767, OMIM 607084.
Usher syndrome type 2D. Also called: USHER SYNDROME, TYPE IID. Identifiers: Orphanet 231178, Orphanet 886, MedGen C1568249, MONDO:0012662, OMIM 611383.

Allele frequency attached by ClinVar (database versions not stated): gnomAD 0.00001; gnomAD exomes 0.00002 and 0.00003; ExAC 0.00003; TOPMed 0.00003; ESP Exome Variant Server 0.00008; 1000 Genomes Project 30x 0.00016; 1000 Genomes Project 0.00020.
gnomAD v4.1: 39 of 1,614,102 alleles (0.0024%); highest among the groups gnomAD compares: East Asian, 0.013%; no homozygotes.

Submissions (6):

CeGaT Center for Human Genetics Tuebingen
Classification: Uncertain significance. Last evaluated: 2026-06-01. Review status: criteria provided, single submitter. Criteria: CeGaT Center For Human Genetics Tuebingen Variant Classification Criteria Version 2. Collection method: clinical testing. Allele origin: germline. Affected: yes. Observed: 1 variant allele.
Comment: WHRN: PM2, PM3:Supporting

GeneDx
Classification: Uncertain significance. Last evaluated: 2025-03-14. Review status: criteria provided, single submitter. Criteria: GeneDx Variant Classification Process June 2021. Collection method: clinical testing. Allele origin: germline. Affected: yes.
Comment: In silico analysis indicates that this missense variant does not alter protein structure/function; Has not been previously published as pathogenic or benign to our knowledge

Blueprint Genetics
Classification: Uncertain significance. Last evaluated: 2022-04-15. Review status: criteria provided, single submitter. Criteria: ACMG Guidelines, 2015. Collection method: clinical testing. Allele origin: germline.

Labcorp Genetics (formerly Invitae), Labcorp
Classification: Uncertain significance. Last evaluated: 2021-09-01. Review status: criteria provided, single submitter. Criteria: Invitae Variant Classification Sherloc (09022015). Collection method: clinical testing. Allele origin: germline.
Comment: This sequence change replaces arginine with glutamine at codon 878 of the WHRN protein (p.Arg878Gln). The arginine residue is moderately conserved and there is a small physicochemical difference between arginine and glutamine. This variant is present in population databases (rs138731082, ExAC 0.01%). This variant has not been reported in the literature in individuals affected with WHRN-related conditions. Algorithms developed to predict the effect of missense changes on protein structure and function (SIFT, PolyPhen-2, Align-GVGD) all suggest that this variant is likely to be tolerated. In summary, the available evidence is currently insufficient to determine the role of this variant in disease. Therefore, it has been classified as a Variant of Uncertain Significance.

Illumina Laboratory Services, Illumina
Classification: Uncertain significance for Usher syndrome type 2D. Last evaluated: 2018-01-13. Review status: criteria provided, single submitter. Criteria: ICSL Variant Classification Criteria 13 December 2019. Collection method: clinical testing. Allele origin: germline.

Illumina Laboratory Services, Illumina
Classification: Uncertain significance for Autosomal recessive nonsyndromic hearing loss 31. Last evaluated: 2018-01-13. Review status: criteria provided, single submitter. Criteria: ICSL Variant Classification Criteria 13 December 2019. Collection method: clinical testing. Allele origin: germline.

NM_015404.4(WHRN):c.2633G>A (p.Arg878Gln)

Gene: WHRN (whirlin; minus strand). Cytogenetic location: 9q32.
Variant type: single nucleotide variant.
Coding change: c.2633G>A on transcript NM_015404.4 (MANE Select); coding-DNA position 2633, G replaced by A.
Protein change: p.Arg878Gln; replaces arginine 878 with glutamine.
Molecular consequence: missense variant.
Genome position (GRCh38, 1-based): chr9:114,402,845, C>T on the plus strand (G>A on the coding strand, the complement: WHRN is on the minus strand). VCF-style: chr9-114402845-C-T. GRCh37 (hg19) VCF-style: chr9-117165125-C-T.
Other names: c.2633G>A (NM_015404.2); c.1484G>A, p.Arg495Gln (NM_001083885.3); c.2630G>A, p.Arg877Gln (NM_001173425.2); c.1580G>A, p.Arg527Gln (NM_001346890.1); short protein forms R878Q, R527Q, R495Q, R877Q.
Identifiers: ClinVar variation 912452 (VCV000912452.12), dbSNP rs138731082, ClinGen allele CA5205565.